The following is an entry in ClinVar:

ClinVar aggregate classification (germline): Likely benign. Review status: criteria provided, multiple submitters, no conflicts (2 of 4 stars). 2 submissions from 2 submitters: Likely benign (2). Last evaluated 2022-06-04.

Conditions:
Lethal multiple pterygium syndrome (LMPS). Identifiers: Orphanet 33108, MedGen C1854678, MONDO:0009668, OMIM 253290.

Allele frequency attached by ClinVar (database versions not stated): TOPMed below 0.00001; gnomAD 0.00002 and 0.00003; gnomAD exomes 0.00002; ExAC 0.00003.

Submissions (2):

Labcorp Genetics (formerly Invitae), Labcorp
Classification: Likely benign for Lethal multiple pterygium syndrome. Last evaluated: 2022-06-04. Review status: criteria provided, single submitter. Criteria: Invitae Variant Classification Sherloc (09022015). Collection method: clinical testing. Allele origin: germline.

GeneDx
Classification: Likely benign. Last evaluated: 2017-03-09. Review status: criteria provided, single submitter. Criteria: GeneDx Variant Classification (06012015). Collection method: clinical testing. Allele origin: germline. Affected: yes.
Comment: This variant is considered likely benign or benign based on one or more of the following criteria: it is a conservative change, it occurs at a poorly conserved position in the protein, it is predicted to be benign by multiple in silico algorithms, and/or has population frequency not consistent with disease.

NM_000751.3(CHRND):c.198+15G>A

Gene: CHRND (cholinergic receptor nicotinic delta subunit; plus strand). Cytogenetic location: 2q37.1.
Variant type: single nucleotide variant.
Coding change: c.198+15G>A on transcript NM_000751.3 (MANE Select); 15 bases into the intron after coding-DNA position 198, G replaced by A.
Molecular consequence: intron variant.
Genome position (GRCh38, 1-based): chr2:232,526,689, G>A. VCF-style: chr2-232526689-G-A. GRCh37 (hg19) VCF-style: chr2-233391399-G-A.
Other names: c.-74+15G>A (NM_001311195.2, NM_001311196.2); c.198+15G>A (NM_001256657.2).
Identifiers: ClinVar variation 507793 (VCV000507793.5), dbSNP rs764503079, ClinGen allele CA2167927.